The following is an entry in ClinVar:

NM_000059.4(BRCA2):c.115del (p.Ala39fs)

Gene: BRCA2 (BRCA2 DNA repair associated; plus strand). Cytogenetic location: 13q13.1.
Variant type: Deletion.
Coding change: c.115del on transcript NM_000059.4 (MANE Select); coding-DNA position 115, one base deleted (G; older notation c.115delG).
Protein change: p.Ala39fs; shifts the reading frame from alanine 39.
Molecular consequence: frameshift variant.
Genome position (GRCh38, 1-based): chr13:32,319,124, G deleted. VCF-style (leftmost placement, unchanged base first): chr13-32319123-AG-A. GRCh37 (hg19) VCF-style: chr13-32893260-AG-A.
Other names: c.115delG (NM_000059.3).
Identifiers: ClinVar variation 51074 (VCV000051074.21), dbSNP rs397507573, ClinGen allele CA011007.
Genomic context (GRCh38, chr13:32,319,123, plus strand): 5'-TTTTTTTTAAATAGATTTAGGACCAATAAGTCTTAATTGGTTTGAAGAACTTTCTTCAGA[AG>A]CTCCACCCTATAATTCTGAACCTGCAGAAGAATCTGAACATAAAAACAACAATTACGAAC-3'

ClinVar aggregate classification (germline): Pathogenic. Review status: reviewed by expert panel (3 of 4 stars). 8 submissions from 8 submitters: Pathogenic (1). 7 of the submissions do not count toward it. Last evaluated 2016-09-08.

Conditions:
Hereditary breast ovarian cancer syndrome. Also called: Hereditary breast and ovarian cancer syndrome; Hereditary breast and ovarian cancer; Hereditary breast and ovarian cancer syndrome (HBOC); Breast and ovarian cancer; Hereditary breast and/or ovarian cancer syndrome; BRCA1- and BRCA2-Associated Hereditary Breast and Ovarian Cancer. Identifiers: Orphanet 145, MedGen C0677776, MeSH D061325, MONDO:0003582. Disease mechanism: loss of function.
Hereditary cancer-predisposing syndrome. Also called: Neoplastic Syndromes, Hereditary; Tumor predisposition; Hereditary Cancer Syndrome; Hereditary neoplastic syndrome. Identifiers: Orphanet 140162, MedGen C0027672, MeSH D009386, MONDO:0015356.
Breast-ovarian cancer, familial, susceptibility to, 2 (BROVCA2). Also called: BRCA2 Hereditary Breast and Ovarian Cancer. Identifiers: Orphanet 145, MedGen C2675520, MONDO:0012933, OMIM 612555. Disease mechanism: loss of function.

Submissions (8):

Evidence-based Network for the Interpretation of Germline Mutant Alleles (ENIGMA)
Classification: Pathogenic for Breast-ovarian cancer, familial, susceptibility to, 2. Last evaluated: 2016-09-08. Review status: reviewed by expert panel. Criteria: ENIGMA BRCA1/2 Classification Criteria (2015). Collection method: curation. Allele origin: germline.
Comment: Variant allele predicted to encode a truncated non-functional protein.

Labcorp Genetics (formerly Invitae), Labcorp
Classification: Pathogenic for Hereditary breast ovarian cancer syndrome. Last evaluated: 2025-01-16. Review status: criteria provided, single submitter. Criteria: Invitae Variant Classification Sherloc (09022015). Collection method: clinical testing. Allele origin: germline. Not counted in ClinVar's aggregate classification.
Comment: This sequence change creates a premature translational stop signal (p.Ala39Leufs*41) in the BRCA2 gene. It is expected to result in an absent or disrupted protein product. Loss-of-function variants in BRCA2 are known to be pathogenic (PMID: 20104584). This variant is not present in population databases (gnomAD no frequency). This premature translational stop signal has been observed in individual(s) with a personal or family history of breast and/or ovarian cancer (PMID: 16683254, 19949876, 26287763). ClinVar contains an entry for this variant (Variation ID: 51074). For these reasons, this variant has been classified as Pathogenic.

GeneDx
Classification: Pathogenic. Last evaluated: 2024-05-13. Review status: criteria provided, single submitter. Criteria: GeneDx Variant Classification Process June 2021. Collection method: clinical testing. Allele origin: germline. Affected: yes. Not counted in ClinVar's aggregate classification.
Comment: Frameshift variant predicted to result in protein truncation or nonsense mediated decay in a gene for which loss of function is a known mechanism of disease; Truncating variants in this gene are considered pathogenic by a well-established clinical consortium and/or database; Not observed at significant frequency in large population cohorts (gnomAD); Also known as 343delG; This variant is associated with the following publications: (PMID: 16683254, 19949876, 24013928, 26287763, 36922933)

Ambry Genetics
Classification: Pathogenic for Hereditary cancer-predisposing syndrome. Last evaluated: 2024-02-15. Review status: criteria provided, single submitter. Criteria: Ambry Variant Classification Scheme 2023. Collection method: clinical testing. Allele origin: germline. Not counted in ClinVar's aggregate classification.
Comment: The c.115delG pathogenic mutation, located in coding exon 2 of the BRCA2 gene, results from a deletion of one nucleotide at nucleotide position 115, causing a translational frameshift with a predicted alternate stop codon (p.A39Lfs*41). This alteration has been reported in multiple families with breast and/or ovarian cancer (van der Hout AH et al. Hum. Mutat. 2006; 27:654-66; van Harssel JJ et al. Fam. Cancer 2010; 9:193-201). In addition to the clinical data presented in the literature, this alteration is expected to result in loss of function by premature protein truncation or nonsense-mediated mRNA decay. As such, this alteration is interpreted as a disease-causing mutation.

Quest Diagnostics Nichols Institute San Juan Capistrano
Classification: Pathogenic. Last evaluated: 2022-05-28. Review status: criteria provided, single submitter. Criteria: Quest Diagnostics criteria. Collection method: clinical testing. Allele origin: unknown. Not counted in ClinVar's aggregate classification.
Comment: The BRCA2 c.115del (p.Ala39Leufs*41) variant alters the translational reading frame of the BRCA2 mRNA and causes the premature termination of BRCA2 protein synthesis. This variant has not been reported in large, multi-ethnic general populations (Genome Aggregation Database). Based on the available information, this variant is classified as pathogenic.

Consortium of Investigators of Modifiers of BRCA1/2 (CIMBA), c/o University of Cambridge
Classification: Pathogenic for Breast-ovarian cancer, familial, susceptibility to, 2. Last evaluated: 2015-10-02. Review status: criteria provided, single submitter. Criteria: CIMBA Mutation Classification guidelines May 2016. Collection method: clinical testing. Allele origin: germline. Not counted in ClinVar's aggregate classification.

Clinical Genetics DNA and cytogenetics Diagnostics Lab, Erasmus MC, Erasmus Medical Center
Classification: Pathogenic for Breast-ovarian cancer, familial, susceptibility to, 2. Last evaluated: 2015-09-21. Review status: criteria provided, single submitter. Criteria: ACGS Guidelines, 2013. Collection method: clinical testing. Allele origin: germline. Affected: yes. Study: VKGL Data-share Consensus. Not counted in ClinVar's aggregate classification.

Diagnostic Laboratory, Department of Genetics, University Medical Center Groningen
Classification: Pathogenic for Breast-ovarian cancer, familial, susceptibility to, 2. Review status: no assertion criteria provided. Collection method: clinical testing. Allele origin: germline. Affected: yes. Study: VKGL Data-share Consensus. Not counted in ClinVar's aggregate classification.

Literature cited by the submitters: PubMed 20104584 (cited by Labcorp Genetics (formerly Invitae), Labcorp); PubMed 16683254 (cited by 3 submitters); PubMed 19949876 (cited by 3 submitters); PubMed 26287763 (cited by Labcorp Genetics (formerly Invitae), Labcorp and Quest Diagnostics Nichols Institute San Juan Capistrano).